The following is an entry in ClinVar:

ClinVar aggregate classification (germline): Benign (1 of 4 stars; one submission).

Allele frequency attached by ClinVar (database versions not stated): 1000 Genomes Project 0.00280; 1000 Genomes Project 30x 0.00328; TOPMed 0.00653; gnomAD 0.00727 and 0.00745.
gnomAD v4.1: 3,374 of 398,308 alleles (0.85%); highest among the groups gnomAD compares: Non-Finnish European, 1.2%; 32 homozygotes.

Submission:

CeGaT Center for Human Genetics Tuebingen
Classification: Benign. Last evaluated: 2026-09-01. Review status: criteria provided, single submitter. Criteria: CeGaT Center For Human Genetics Tuebingen Variant Classification Criteria Version 2. Collection method: clinical testing. Allele origin: germline. Affected: yes. Observed: 71 variant alleles.
Comment: KCNQ1OT1: BS1, BS2; KCNQ1: BS1, BS2

NM_000218.3(KCNQ1):c.1394-18524C>T

Genes: KCNQ1OT1 (KCNQ1 opposite strand/antisense transcript 1; minus strand), KCNQ1 (potassium voltage-gated channel subfamily Q member 1; plus strand). Cytogenetic location: 11p15.5.
Variant type: single nucleotide variant.
Coding change: c.1394-18524C>T on transcript NM_000218.3 (MANE Select); 18524 bases into the intron before coding-DNA position 1394, C replaced by T.
Molecular consequence: intron variant.
Genome position (GRCh38, 1-based): chr11:2,643,437, C>T. VCF-style: chr11-2643437-C-T. GRCh37 (hg19) VCF-style: chr11-2664667-C-T.
Other names: c.1124-18524C>T (NM_001406837.1); c.1298-18524C>T (NM_001406836.1); c.854-18524C>T (NM_001406838.1); c.1013-18524C>T (NM_181798.2).
Identifiers: ClinVar variation 1694598 (VCV001694598.31), dbSNP rs149117906, ClinGen allele CA216156198.